The following is an entry in ClinVar:

NM_021930.6(RINT1):c.1826G>A (p.Arg609His)

Gene: RINT1 (RAD50 interactor 1; plus strand). Cytogenetic location: 7q22.3.
Variant type: single nucleotide variant.
Coding change: c.1826G>A on transcript NM_021930.6 (MANE Select); coding-DNA position 1826, G replaced by A.
Protein change: p.Arg609His; replaces arginine 609 with histidine.
Molecular consequence: missense variant. On other transcripts: non-coding transcript variant (1).
Genome position (GRCh38, 1-based): chr7:105,563,887, G>A. VCF-style: chr7-105563887-G-A. GRCh37 (hg19) VCF-style: chr7-105204334-G-A.
Other names: c.1592G>A, p.Arg531His (NM_001346599.2); c.803G>A, p.Arg268His (NM_001346600.2, NM_001346603.2); c.902G>A, p.Arg301His (NM_001346601.2); short protein forms R531H, R268H, R609H, R301H.
Identifiers: ClinVar variation 1780852 (VCV001780852.6), dbSNP rs770101080, ClinGen allele CA4426776.

ClinVar aggregate classification (germline): Uncertain significance. Review status: criteria provided, multiple submitters, no conflicts (2 of 4 stars). 2 submissions from 2 submitters: Uncertain significance (2). Last evaluated 2024-11-23.

Allele frequency attached by ClinVar (database versions not stated): ExAC 0.00001; gnomAD exomes 0.00001; TOPMed 0.00001.
gnomAD v4.1: 11 of 1,614,062 alleles (0.00068%); highest among the groups gnomAD compares: African/African-American, 0.0013%; no homozygotes.

Submissions (2):

Ambry Genetics
Classification: Uncertain significance. Last evaluated: 2024-11-23. Review status: criteria provided, single submitter. Criteria: Ambry Variant Classification Scheme 2023. Collection method: clinical testing. Allele origin: germline.
Comment: The p.R609H variant (also known as c.1826G>A), located in coding exon 12 of the RINT1 gene, results from a G to A substitution at nucleotide position 1826. The arginine at codon 609 is replaced by histidine, an amino acid with highly similar properties. This amino acid position is conserved. In addition, the in silico prediction for this alteration is inconclusive. Since supporting evidence is limited at this time, the clinical significance of this alteration remains unclear.

Labcorp Genetics (formerly Invitae), Labcorp
Classification: Uncertain significance. Last evaluated: 2023-03-10. Review status: criteria provided, single submitter. Criteria: Invitae Variant Classification Sherloc (09022015). Collection method: clinical testing. Allele origin: germline.
Comment: In summary, the available evidence is currently insufficient to determine the role of this variant in disease. Therefore, it has been classified as a Variant of Uncertain Significance. An algorithm developed to predict the effect of missense changes on protein structure and function (PolyPhen-2) suggests that this variant is likely to be disruptive. ClinVar contains an entry for this variant (Variation ID: 1780852). This variant has not been reported in the literature in individuals affected with RINT1-related conditions. This variant is present in population databases (rs770101080, gnomAD 0.007%). This sequence change replaces arginine, which is basic and polar, with histidine, which is basic and polar, at codon 609 of the RINT1 protein (p.Arg609His).